The following is an entry in ClinVar:

ClinVar aggregate classification (germline): Uncertain significance (1 of 4 stars; one submission).

Allele frequency attached by ClinVar (database versions not stated): ExAC 0.00001; gnomAD exomes 0.00001.
gnomAD v4.1: 8 of 1,613,270 alleles (0.0005%); highest among the groups gnomAD compares: South Asian, 0.0066%; no homozygotes.

Submission:

Labcorp Genetics (formerly Invitae), Labcorp
Classification: Uncertain significance. Last evaluated: 2022-07-16. Review status: criteria provided, single submitter. Criteria: Invitae Variant Classification Sherloc (09022015). Collection method: clinical testing. Allele origin: germline.
Comment: This sequence change replaces serine, which is neutral and polar, with glycine, which is neutral and non-polar, at codon 1310 of the MPDZ protein (p.Ser1310Gly). This variant is present in population databases (rs769104208, gnomAD 0.003%). In summary, the available evidence is currently insufficient to determine the role of this variant in disease. Therefore, it has been classified as a Variant of Uncertain Significance. Algorithms developed to predict the effect of missense changes on protein structure and function output the following: SIFT: "Tolerated"; PolyPhen-2: "Benign"; Align-GVGD: "Class C0". The glycine amino acid residue is found in multiple mammalian species, which suggests that this missense change does not adversely affect protein function. This variant has not been reported in the literature in individuals affected with MPDZ-related conditions.

NM_001378778.1(MPDZ):c.3928A>G (p.Ser1310Gly)

Gene: MPDZ (multiple PDZ domain crumbs cell polarity complex component; minus strand). Cytogenetic location: 9p23.
Variant type: single nucleotide variant.
Coding change: c.3928A>G on transcript NM_001378778.1 (MANE Select); coding-DNA position 3928, A replaced by G.
Protein change: p.Ser1310Gly; replaces serine 1310 with glycine.
Molecular consequence: missense variant.
Genome position (GRCh38, 1-based): chr9:13,140,062, T>C on the plus strand (A>G on the coding strand, the complement: MPDZ is on the minus strand). VCF-style: chr9-13140062-T-C. GRCh37 (hg19) VCF-style: chr9-13140061-T-C.
Other names: c.3829A>G, p.Ser1277Gly (NM_001261406.2, NM_001261407.2, NM_001375416.1 and 3 more transcripts); c.3928A>G, p.Ser1310Gly (NM_001330637.2, NM_001375413.1, NM_003829.5); c.3718A>G, p.Ser1240Gly (NM_001375420.1, NM_001375421.1, NM_001375422.1 and 4 more transcripts); c.3520A>G, p.Ser1174Gly (NM_001375427.1); short protein forms S1310G, S1174G, S1240G, S1277G.
Identifiers: ClinVar variation 2130871 (VCV002130871.4), dbSNP rs769104208, ClinGen allele CA4986908.